The following is an entry in ClinVar:

NM_001105206.3(LAMA4):c.3208G>A (p.Gly1070Ser)

Gene: LAMA4 (laminin subunit alpha 4; minus strand). Cytogenetic location: 6q21.
Variant type: single nucleotide variant.
Coding change: c.3208G>A on transcript NM_001105206.3 (MANE Select); coding-DNA position 3208, G replaced by A.
Protein change: p.Gly1070Ser; replaces glycine 1070 with serine.
Molecular consequence: missense variant.
Genome position (GRCh38, 1-based): chr6:112,139,194, C>T on the plus strand (G>A on the coding strand, the complement: LAMA4 is on the minus strand). VCF-style: chr6-112139194-C-T. GRCh37 (hg19) VCF-style: chr6-112460396-C-T.
Other names: c.3187G>A, p.Gly1063Ser (NM_001105207.3, NM_002290.5); short protein forms G1063S, G1070S.
Identifiers: ClinVar variation 4096201 (VCV004096201.1).

ClinVar aggregate classification (germline): Uncertain significance (1 of 4 stars; one submission).

Conditions:
Cardiovascular phenotype. Identifiers: MedGen CN230736.

gnomAD v4.1: 6 of 1,614,162 alleles (0.00037%); highest among the groups gnomAD compares: Non-Finnish European, 0.00051%; no homozygotes.

Submission:

Ambry Genetics
Classification: Uncertain significance for Cardiovascular phenotype. Last evaluated: 2025-06-15. Review status: criteria provided, single submitter. Criteria: Ambry Variant Classification Scheme 2023. Collection method: clinical testing. Allele origin: germline.
Comment: The p.G1063S variant (also known as c.3187G>A), located in coding exon 23 of the LAMA4 gene, results from a G to A substitution at nucleotide position 3187. The glycine at codon 1063 is replaced by serine, an amino acid with similar properties. This amino acid position is conserved. In addition, this alteration is predicted to be tolerated by in silico analysis. Based on the available evidence, the clinical significance of this variant remains unclear.